The following is an entry in ClinVar:

ClinVar aggregate classification (germline): Uncertain significance (1 of 4 stars; one submission).

Conditions:
Desmin-related myofibrillar myopathy (MFM1). Also called: Desminopathy; Desmin related myopathy (former name); Desmin storage myopathy (former name); MYOFIBRILLAR MYOPATHY WITH ARRHYTHMOGENIC RIGHT VENTRICULAR CARDIOMYOPATHY; DESMIN-RELATED MYOPATHY WITH ARRHYTHMOGENIC RIGHT VENTRICULAR CARDIOMYOPATHY; Myofibrillar myopathy 1. Identifiers: Orphanet 363543, Orphanet 98909, MedGen C1832370, MONDO:0011076, OMIM 601419.

gnomAD v4.1: 2 of 1,572,462 alleles (0.00013%); highest among the groups gnomAD compares: South Asian, 0.0012%; no homozygotes.

Submission:

Labcorp Genetics (formerly Invitae), Labcorp
Classification: Uncertain significance for Desmin-related myofibrillar myopathy. Last evaluated: 2026-01-13. Review status: criteria provided, single submitter. Criteria: Invitae Variant Classification Sherloc (09022015). Collection method: clinical testing. Allele origin: germline.
Comment: This sequence change replaces glutamic acid, which is acidic and polar, with lysine, which is basic and polar, at codon 139 of the DES protein (p.Glu139Lys). This variant is not present in population databases (gnomAD no frequency). This variant has not been reported in the literature in individuals affected with DES-related conditions. ClinVar contains an entry for this variant (Variation ID: 411146). Invitae Evidence Modeling of protein sequence and biophysical properties (such as structural, functional, and spatial information, amino acid conservation, physicochemical variation, residue mobility, and thermodynamic stability) has been performed for this missense variant. However, the output from this modeling did not meet the statistical confidence thresholds required to predict the impact of this variant on DES protein function. Experimental studies have shown that this missense change does not substantially affect DES function (PMID: 36497166). In summary, the available evidence is currently insufficient to determine the role of this variant in disease. Therefore, it has been classified as a Variant of Uncertain Significance.

Literature cited by the submitters: PubMed 36497166.

NM_001927.4(DES):c.415G>A (p.Glu139Lys)

Gene: DES (desmin; plus strand). Cytogenetic location: 2q35.
Variant type: single nucleotide variant.
Coding change: c.415G>A on transcript NM_001927.4 (MANE Select); coding-DNA position 415, G replaced by A.
Protein change: p.Glu139Lys; replaces glutamic acid 139 with lysine.
Molecular consequence: missense variant.
Genome position (GRCh38, 1-based): chr2:219,418,877, G>A. VCF-style: chr2-219418877-G-A. GRCh37 (hg19) VCF-style: chr2-220283599-G-A.
Other names: c.415G>A (LRG_380t1); short protein forms E139K.
Identifiers: ClinVar variation 411146 (VCV000411146.11), dbSNP rs763769862, ClinGen allele CA16610612.